The following is an entry in ClinVar:

NM_004360.5(CDH1):c.1712-128C>T

Gene: CDH1 (cadherin 1; plus strand). Cytogenetic location: 16q22.1.
Variant type: single nucleotide variant.
Coding change: c.1712-128C>T on transcript NM_004360.5 (MANE Select); 128 bases into the intron before coding-DNA position 1712, C replaced by T.
Molecular consequence: intron variant.
Genome position (GRCh38, 1-based): chr16:68,821,873, C>T. VCF-style: chr16-68821873-C-T. GRCh37 (hg19) VCF-style: chr16-68855776-C-T.
Other names: c.164-128C>T (NM_001317185.2); c.-254-128C>T (NM_001317186.2); c.1529-128C>T (NM_001317184.2).
Identifiers: ClinVar variation 2502973 (VCV002502973.1), dbSNP rs1021482600, ClinGen allele CA723138178.

ClinVar aggregate classification (germline): Uncertain significance (1 of 4 stars; one submission).

Conditions:
Hereditary diffuse gastric adenocarcinoma (HDGC). Also called: DIFFUSE GASTRIC AND LOBULAR BREAST CANCER SYNDROME. Identifiers: Orphanet 26106, MedGen C1708349, MONDO:0007648, OMIM 137215.

Submission:

European Reference Network on Genetic Tumour Risk Syndromes (ERN-GENTURIS), i3s - Instituto de Investigação e Inovação em Saúde, University of Porto
Classification: Uncertain significance for Hereditary diffuse gastric adenocarcinoma. Last evaluated: 2022-08-01. Review status: criteria provided, single submitter. Criteria: Lee et al. (Hum Mutat. 2018). Collection method: clinical testing. Allele origin: germline. Inheritance: Autosomal dominant inheritance. Affected: no. Study: ERN GENTURIS.
Comment: PM2; BS2_Supporting (PMID: 30311375)

Literature cited by the submitters: PubMed 36436516.